The following is an entry in ClinVar:

NM_001942.4(DSG1):c.1154T>C (p.Phe385Ser)

Gene: DSG1 (desmoglein 1; plus strand). Cytogenetic location: 18q12.1.
Variant type: single nucleotide variant.
Coding change: c.1154T>C on transcript NM_001942.4 (MANE Select); coding-DNA position 1154, T replaced by C.
Protein change: p.Phe385Ser; replaces phenylalanine 385 with serine.
Molecular consequence: missense variant.
Genome position (GRCh38, 1-based): chr18:31,336,502, T>C. VCF-style: chr18-31336502-T-C. GRCh37 (hg19) VCF-style: chr18-28916465-T-C.
Other names: short protein forms F385S.
Identifiers: ClinVar variation 2795229 (VCV002795229.3), dbSNP rs762555850, ClinGen allele CA8926024.

ClinVar aggregate classification (germline): Uncertain significance (1 of 4 stars; one submission).

Allele frequency attached by ClinVar (database versions not stated): gnomAD exomes below 0.00001; TOPMed below 0.00001; ExAC 0.00001.
gnomAD v4.1: 1 of 1,614,016 alleles (0.000062%); highest among the groups gnomAD compares: Non-Finnish European, 0.000085%; no homozygotes.

Submission:

Labcorp Genetics (formerly Invitae), Labcorp
Classification: Uncertain significance. Last evaluated: 2023-04-25. Review status: criteria provided, single submitter. Criteria: Invitae Variant Classification Sherloc (09022015). Collection method: clinical testing. Allele origin: germline.
Comment: In summary, the available evidence is currently insufficient to determine the role of this variant in disease. Therefore, it has been classified as a Variant of Uncertain Significance. Advanced modeling of protein sequence and biophysical properties (such as structural, functional, and spatial information, amino acid conservation, physicochemical variation, residue mobility, and thermodynamic stability) performed at Invitae indicates that this missense variant is not expected to disrupt DSG1 protein function. This variant has not been reported in the literature in individuals affected with DSG1-related conditions. This variant is present in population databases (rs762555850, gnomAD 0.0009%). This sequence change replaces phenylalanine, which is neutral and non-polar, with serine, which is neutral and polar, at codon 385 of the DSG1 protein (p.Phe385Ser).